The following is an entry in ClinVar:

ClinVar aggregate classification (germline): Uncertain significance (1 of 4 stars; one submission).

Conditions:
Ehlers-Danlos syndrome, kyphoscoliotic type 1 (EDSKSCL1). Also called: EHLERS-DANLOS SYNDROME, TYPE VIA; Ehlers-Danlos syndrome, hydroxylysine-deficient; EHLERS-DANLOS SYNDROME, OCULAR-SCOLIOTIC TYPE; PLOD1-Related Kyphoscoliotic Ehlers-Danlos Syndrome. Identifiers: Orphanet 1900, MedGen C0268342, MONDO:0016002, OMIM 225400. Disease mechanism: loss of function.

Allele frequency attached by ClinVar (database versions not stated): gnomAD exomes 0.00001; ExAC 0.00002; TOPMed 0.00002.
gnomAD v4.1: 15 of 1,613,796 alleles (0.00093%); highest among the groups gnomAD compares: East Asian, 0.0022%; no homozygotes.

Submission:

Labcorp Genetics (formerly Invitae), Labcorp
Classification: Uncertain significance for Ehlers-Danlos syndrome, kyphoscoliotic type 1. Last evaluated: 2021-08-31. Review status: criteria provided, single submitter. Criteria: Invitae Variant Classification Sherloc (09022015). Collection method: clinical testing. Allele origin: germline.
Comment: This sequence change replaces glycine with serine at codon 291 of the PLOD1 protein (p.Gly291Ser). The glycine residue is highly conserved and there is a small physicochemical difference between glycine and serine. This variant is present in population databases (rs776772692, ExAC 0.01%). This variant has not been reported in the literature in individuals affected with PLOD1-related conditions. Algorithms developed to predict the effect of missense changes on protein structure and function (SIFT, PolyPhen-2, Align-GVGD) all suggest that this variant is likely to be tolerated. Algorithms developed to predict the effect of sequence changes on RNA splicing suggest that this variant may create or strengthen a splice site. In summary, the available evidence is currently insufficient to determine the role of this variant in disease. Therefore, it has been classified as a Variant of Uncertain Significance.

NM_000302.4(PLOD1):c.871G>A (p.Gly291Ser)

Gene: PLOD1 (procollagen-lysine,2-oxoglutarate 5-dioxygenase 1; plus strand). Cytogenetic location: 1p36.22.
Variant type: single nucleotide variant.
Coding change: c.871G>A on transcript NM_000302.4 (MANE Select); coding-DNA position 871, G replaced by A.
Protein change: p.Gly291Ser; replaces glycine 291 with serine.
Molecular consequence: missense variant.
Genome position (GRCh38, 1-based): chr1:11,958,543, G>A. VCF-style: chr1-11958543-G-A. GRCh37 (hg19) VCF-style: chr1-12018600-G-A.
Other names: c.1012G>A, p.Gly338Ser (NM_001316320.2); short protein forms G291S, G338S.
Identifiers: ClinVar variation 459833 (VCV000459833.8), dbSNP rs776772692, ClinGen allele CA598184.